The following is an entry in ClinVar:

NM_001161352.2(KCNMA1):c.2267-4420G>T

Genes: KCNMA1 (potassium calcium-activated channel subfamily M alpha 1; minus strand), KCNMA1-AS1 (KCNMA1 antisense RNA 1; plus strand). Cytogenetic location: 10q22.3.
Variant type: single nucleotide variant.
Coding change: c.2267-4420G>T on transcript NM_001161352.2 (MANE Select); 4420 bases into the intron before coding-DNA position 2267, G replaced by T.
Molecular consequence: intron variant. On other transcripts: missense variant (1).
Genome position (GRCh38, 1-based): chr10:76,974,487, C>A on the plus strand (G>T on the coding strand, the complement: KCNMA1 is on the minus strand). VCF-style: chr10-76974487-C-A. GRCh37 (hg19) VCF-style: chr10-78734245-C-A.
Other names: c.1639G>T, p.Val547Phe (NM_001322838.2); c.1943-4420G>T (NM_001271518.2); c.2093-4420G>T (NM_001322832.2, NM_001410940.1, NM_002247.4 and 1 more transcripts); c.2102-4420G>T (NM_001322829.2, NM_001322836.2, NM_001271519.2); c.2105-4420G>T (NM_001014797.3, NM_001322835.2, NM_001322837.2); c.2114-4420G>T (NM_001322830.2); short protein forms V547F.
Identifiers: ClinVar variation 3343827 (VCV003343827.1).

ClinVar aggregate classification (germline): Uncertain significance (1 of 4 stars; one submission).

gnomAD v4.1: 6 of 1,536,138 alleles (0.00039%); highest among the groups gnomAD compares: Non-Finnish European, 0.00053%; no homozygotes.

Submission:

GeneDx
Classification: Uncertain significance. Last evaluated: 2023-05-23. Review status: criteria provided, single submitter. Criteria: GeneDx Variant Classification Process June 2021. Collection method: clinical testing. Allele origin: germline. Affected: yes.
Comment: Not observed at significant frequency in large population cohorts (gnomAD); In silico analysis supports that this variant does not alter splicing; Has not been previously published as pathogenic or benign to our knowledge